The following is an entry in ClinVar:

GRCh38/hg38 14q11.2(chr14:22021665-22324997)x3

Genes: TRA (T cell receptor alpha locus; plus strand), TRAV20 (T cell receptor alpha variable 20; plus strand), TRAV21 (T cell receptor alpha variable 21; plus strand), TRAV22 (T cell receptor alpha variable 22; plus strand), TRAV23DV6 (T cell receptor alpha variable 23/delta variable 6; plus strand) and 19 more. Cytogenetic location: 14q11.2.
Variant type: copy number gain.
Change: copy number 3 (three copies instead of two) of chr14:22,021,665-22,324,997 (303.3 kb, GRCh38 coordinates, 1-based), cytogenetic band 14q11.2.
Identifiers: ClinVar variation 149450 (VCV000149450.2).

ClinVar aggregate classification (germline): Benign/Likely benign (0 of 4 stars; one submission).

Submission:

ISCA site 4
Classification: Benign/Likely benign. Last evaluated: 2012-09-21. Review status: no assertion criteria provided. Collection method: clinical testing. Allele origin: unknown. Affected: yes. Observed: 9 variant alleles. Clinical features observed: Developmental delay AND/OR other significant developmental or morphological phenotypes, Abnormality of the head (HP:0000234), Global developmental delay (HP:0001263), Intellectual disability (HP:0001249), Microcephaly (HP:0000252), Hemihypertrophy of lower limb (HP:0100553), Abnormal facial shape (HP:0001999), Autism (HP:0000717), Autistic behavior (HP:0000729).
Comment: Likely benign (8), Benign (1)

Copy number variation identified through the course of routine clinical cytogenomic testing in postnatal populations, with clinical assertions as classified by the original submitter.